The following is an entry in ClinVar:

NM_005732.4(RAD50):c.2922G>C (p.Lys974Asn)

Gene: RAD50 (RAD50 double strand break repair protein; plus strand). Cytogenetic location: 5q31.1.
Variant type: single nucleotide variant.
Coding change: c.2922G>C on transcript NM_005732.4 (MANE Select); coding-DNA position 2922, G replaced by C.
Protein change: p.Lys974Asn; replaces lysine 974 with asparagine.
Molecular consequence: missense variant.
Genome position (GRCh38, 1-based): chr5:132,609,209, G>C. VCF-style: chr5-132609209-G-C. GRCh37 (hg19) VCF-style: chr5-131944901-G-C.
Other names: short protein forms K974N.
Identifiers: ClinVar variation 1017917 (VCV001017917.9), dbSNP rs1751040039, ClinGen allele CA360960071.

ClinVar aggregate classification (germline): Uncertain significance (1 of 4 stars; one submission).

Conditions:
Hereditary cancer-predisposing syndrome. Also called: Tumor predisposition; Neoplastic Syndromes, Hereditary; Hereditary neoplastic syndrome; Hereditary Cancer Syndrome. Identifiers: Orphanet 140162, MedGen C0027672, MeSH D009386, MONDO:0015356.

Submission:

Labcorp Genetics (formerly Invitae), Labcorp
Classification: Uncertain significance for Hereditary cancer-predisposing syndrome. Last evaluated: 2020-04-02. Review status: criteria provided, single submitter. Criteria: Invitae Variant Classification Sherloc (09022015). Collection method: clinical testing. Allele origin: germline.
Comment: In summary, the available evidence is currently insufficient to determine the role of this variant in disease. Therefore, it has been classified as a Variant of Uncertain Significance. Nucleotide substitutions within the consensus splice site are a relatively common cause of aberrant splicing (PMID: 17576681, 9536098). Algorithms developed to predict the effect of sequence changes on RNA splicing suggest that this variant may disrupt the consensus splice site, but this prediction has not been confirmed by published transcriptional studies. Algorithms developed to predict the effect of missense changes on protein structure and function (SIFT, PolyPhen-2, Align-GVGD) all suggest that this variant is likely to be tolerated, but these predictions have not been confirmed by published functional studies and their clinical significance is uncertain. This variant has not been reported in the literature in individuals with RAD50-related conditions. This variant is not present in population databases (ExAC no frequency). This sequence change replaces lysine with asparagine at codon 974 of the RAD50 protein (p.Lys974Asn). The lysine residue is moderately conserved and there is a moderate physicochemical difference between lysine and asparagine. This variant also falls at the last nucleotide of exon 18 of the RAD50 coding sequence, which is part of the consensus splice site for this exon.

Literature cited by the submitters: PubMed 17576681; PubMed 9536098.